The following is an entry in ClinVar:

ClinVar aggregate classification (germline): Conflicting classifications of pathogenicity. Review status: criteria provided, conflicting classifications (1 of 4 stars). 3 submissions from 3 submitters: Uncertain significance (2); Likely benign (1). Last evaluated 2025-09-23.

Conditions:
Inborn genetic diseases. Identifiers: MedGen C0950123, MeSH D030342.
Intellectual disability. Also called: Intellectual functioning disability; Intellectual developmental disorder; intellectual disabilities. Identifiers: MedGen C3714756, MeSH D008607, MONDO:0001071, HP:0001249.

Allele frequency attached by ClinVar (database versions not stated): TOPMed 0.00001; gnomAD exomes 0.00002 and 0.00004; ESP Exome Variant Server 0.00008; gnomAD 0.00001; ExAC 0.00002.
gnomAD v4.1: 62 of 1,614,038 alleles (0.0038%); highest among the groups gnomAD compares: Non-Finnish European, 0.0053%; no homozygotes.

Submissions (3):

Labcorp Genetics (formerly Invitae), Labcorp
Classification: Uncertain significance. Last evaluated: 2025-09-23. Review status: criteria provided, single submitter. Criteria: Invitae Variant Classification Sherloc (09022015). Collection method: clinical testing. Allele origin: germline.
Comment: This sequence change replaces valine, which is neutral and non-polar, with isoleucine, which is neutral and non-polar, at codon 163 of the PPP2R5D protein (p.Val163Ile). This variant is present in population databases (rs140136483, gnomAD 0.004%). This variant has not been reported in the literature in individuals affected with PPP2R5D-related conditions. ClinVar contains an entry for this variant (Variation ID: 1346309). An algorithm developed to predict the effect of missense changes on protein structure and function (PolyPhen-2) suggests that this variant is likely to be tolerated. In summary, the available evidence is currently insufficient to determine the role of this variant in disease. Therefore, it has been classified as a Variant of Uncertain Significance.

Ambry Genetics
Classification: Uncertain significance for Inborn genetic diseases. Last evaluated: 2022-09-28. Review status: criteria provided, single submitter. Criteria: Ambry Variant Classification Scheme 2023. Collection method: clinical testing. Allele origin: germline.

Cambridge Genomics Laboratory, East Genomic Laboratory Hub, NHS Genomic Medicine Service
Classification: Likely benign for Intellectual disability. Last evaluated: 2019-10-09. Review status: criteria provided, single submitter. Criteria: ACGS Best Practice Guidelines for Variant Classification in Rare Disease 2020. Collection method: clinical testing. Allele origin: germline. Affected: yes. Observed: 1 variant allele.

NM_006245.4(PPP2R5D):c.487G>A (p.Val163Ile)

Gene: PPP2R5D (protein phosphatase 2 regulatory subunit B'delta; plus strand). Cytogenetic location: 6p21.1.
Variant type: single nucleotide variant.
Coding change: c.487G>A on transcript NM_006245.4 (MANE Select); coding-DNA position 487, G replaced by A.
Protein change: p.Val163Ile; replaces valine 163 with isoleucine.
Molecular consequence: missense variant.
Genome position (GRCh38, 1-based): chr6:43,007,075, G>A. VCF-style: chr6-43007075-G-A. GRCh37 (hg19) VCF-style: chr6-42974813-G-A.
Other names: c.34G>A, p.Val12Ile (NM_001270476.2); c.391G>A, p.Val131Ile (NM_180976.3); c.169G>A, p.Val57Ile (NM_180977.3); c.487G>A (NM_006245.2); short protein forms V131I, V12I, V163I, V57I.
Identifiers: ClinVar variation 1346309 (VCV001346309.8), dbSNP rs140136483, ClinGen allele CA3811828.
Genomic context (GRCh38, chr6:43,007,075, plus strand): 5'-GAGGTGAAGCGGGCAGGACTCAACGAGATGGTGGAGTACATCACCCATAGCCGTGATGTT[G>A]TCACTGAGGCCATTTACCCTGAGGCTGTCACCATGGTGGGCACAGGGAAAGGACACAGGG-3'
Protein context (NP_006236.1, residues 153-173): VEYITHSRDV[Val163Ile]TEAIYPEAVT